The following is an entry in ClinVar:

ClinVar aggregate classification (germline): Conflicting classifications of pathogenicity. Review status: criteria provided, conflicting classifications (1 of 4 stars). 10 submissions from 10 submitters: Uncertain significance (7); Likely benign (2). 1 of the submissions does not count toward it. Last evaluated 2026-01-27.

Conditions:
Hereditary nonpolyposis colorectal neoplasms. Identifiers: MedGen C0009405, MeSH D003123.
Hereditary cancer-predisposing syndrome. Also called: Hereditary Cancer Syndrome; Neoplastic Syndromes, Hereditary; Hereditary neoplastic syndrome; Tumor predisposition. Identifiers: Orphanet 140162, MedGen C0027672, MeSH D009386, MONDO:0015356.
Mismatch repair cancer syndrome 3. Identifiers: MedGen C5436807, MONDO:0030841, OMIM 619097.
Lynch syndrome 5 (LYNCH5). Also called: Colorectal cancer, hereditary nonpolyposis, type 5; Hereditary non-polyposis colorectal cancer, type 5. Identifiers: Orphanet 144, MedGen C1833477, MONDO:0013710, OMIM 614350. Disease mechanism: loss of function.
Endometrial carcinoma. Also called: Endometrial carcinoma, somatic. Identifiers: MedGen C0476089, MONDO:0002447, OMIM 608089, HP:0012114.
Lynch syndrome. Identifiers: Orphanet 144, MedGen C4552100, MONDO:0005835. Disease mechanism: loss of function.

Allele frequency attached by ClinVar (database versions not stated): TOPMed 0.00001; ExAC 0.00001; gnomAD exomes 0.00001.
gnomAD v4.1: 32 of 1,613,946 alleles (0.002%); highest among the groups gnomAD compares: Non-Finnish European, 0.0026%; no homozygotes.

Submissions (10):

Labcorp Genetics (formerly Invitae), Labcorp
Classification: Likely benign for Hereditary nonpolyposis colorectal neoplasms. Last evaluated: 2026-01-27. Review status: criteria provided, single submitter. Criteria: Invitae Variant Classification Sherloc (09022015). Collection method: clinical testing. Allele origin: germline.

Ambry Genetics
Classification: Likely benign for Hereditary cancer-predisposing syndrome. Last evaluated: 2025-12-03. Review status: criteria provided, single submitter. Criteria: Ambry Variant Classification Scheme 2023. Collection method: clinical testing. Allele origin: germline.

Quest Diagnostics Nichols Institute San Juan Capistrano
Classification: Uncertain significance. Last evaluated: 2025-05-19. Review status: criteria provided, single submitter. Criteria: Quest Diagnostics criteria. Collection method: clinical testing. Allele origin: unknown.
Comment: The MSH6 c.3452C>G (p.Ala1151Gly) variant has been reported in the published literature in individuals with uterine cancer (PMID: 34326862 (2021)), and breast cancer (33471991 (2021), see also LOVD). The variant is located in a region that is considered important for protein function and/or structure (PMID: PMID: 23391514 (2013), 23621914 (2013), 24100870 (2013)). The frequency of this variant in the general population (Genome Aggregation Database) is uninformative in the assessment of its pathogenicity. Analysis of this variant using bioinformatics tools for the prediction of the effect of amino acid changes on protein structure and function yielded predictions that this variant is benign. Based on the available information, we are unable to determine the clinical significance of this variant.

GeneDx
Classification: Uncertain significance. Last evaluated: 2025-04-18. Review status: criteria provided, single submitter. Criteria: GeneDx Variant Classification Process June 2021. Collection method: clinical testing. Allele origin: germline. Affected: yes.
Comment: Not observed at significant frequency in large population cohorts (gnomAD); In silico analysis supports that this missense variant has a deleterious effect on protein structure/function; Observed in an individual with uterine cancer (PMID: 34326862); This variant is associated with the following publications: (PMID: 17531815, 21120944, 12019211, 34326862)

Department of Pathology and Laboratory Medicine, Sinai Health System
Classification: Uncertain significance for Endometrial carcinoma; Lynch syndrome 5; Mismatch repair cancer syndrome 3. Last evaluated: 2024-11-18. Review status: criteria provided, single submitter. Criteria: ACMG Guidelines, 2015. Collection method: clinical testing. Allele origin: germline.

Color Diagnostics, LLC DBA Color Health
Classification: Uncertain significance for Hereditary cancer-predisposing syndrome. Last evaluated: 2024-09-17. Review status: criteria provided, single submitter. Criteria: ACMG Guidelines, 2015. Collection method: clinical testing. Allele origin: germline.
Comment: This missense variant replaces alanine with glycine at codon 1151 of the MSH6 protein. Computational prediction is inconclusive regarding the impact of this variant on protein structure and function (internally defined REVEL score threshold 0.5 < inconclusive < 0.7, PMID: 27666373). To our knowledge, functional studies have not been reported for this variant. This variant has been observed in an individual affected with breast cancer (PMID: 33471991) and an individual affected with uterine cancer (PMID: 34326862). This variant has been identified in 3/251416 chromosomes in the general population by the Genome Aggregation Database (gnomAD). A different variant affecting the same codon, c.3452C>A (p.Ala1151Asp), is considered to be disease-causing (ClinVar variation ID: 428288), suggesting this position may be important for the protein function. The available evidence is insufficient to determine the role of this variant in disease conclusively. Therefore, this variant is classified as a Variant of Uncertain Significance.

Myriad Genetics, Inc.
Classification: Uncertain significance for Lynch syndrome 5. Last evaluated: 2023-03-29. Review status: criteria provided, single submitter. Criteria: Myriad Autosomal Dominant, Autosomal Recessive and X-Linked Classification Criteria (2023). Collection method: clinical testing. Allele origin: unknown.
Comment: This variant is classified as a variant of uncertain significance as there is insufficient evidence to determine its impact on protein function and/or cancer risk.

All of Us Research Program, National Institutes of Health
Classification: Uncertain significance for Lynch syndrome. Last evaluated: 2023-03-07. Review status: criteria provided, single submitter. Criteria: ACMG Guidelines, 2015. Collection method: clinical testing. Allele origin: germline. Inheritance: Autosomal dominant inheritance. Observed: 2 variant alleles, 2 heterozygotes.
Comment: This missense variant replaces alanine with glycine at codon 1151 of the MSH6 protein. Computational prediction is inconclusive regarding the impact of this variant on protein structure and function (internally defined REVEL score threshold 0.5 < inconclusive < 0.7, PMID: 27666373). To our knowledge, functional studies have not been reported for this variant. This variant has not been reported in individuals affected with hereditary cancer in the literature. This variant has been identified in 3/251416 chromosomes in the general population by the Genome Aggregation Database (gnomAD). The available evidence is insufficient to determine the role of this variant in disease conclusively. Therefore, this variant is classified as a Variant of Uncertain Significance.

This study involves interpretation of variants in research participants for the purpose of population health screening. Participant phenotype was not available at the time of variant classification. Additional details can be found in publication PMID: 35346344, PMCID: PMC8962531

Mendelics
Classification: Uncertain significance for Lynch syndrome. Last evaluated: 2018-07-02. Review status: criteria provided, single submitter. Criteria: Mendelics Assertion Criteria 2017. Collection method: clinical testing. Allele origin: unknown.

Counsyl
Classification: Uncertain significance for Lynch syndrome 5. Last evaluated: 2016-01-27. Review status: no assertion criteria provided. Collection method: clinical testing. Allele origin: unknown. Not counted in ClinVar's aggregate classification.

Literature cited by the submitters: PubMed 34326862 (cited by Quest Diagnostics Nichols Institute San Juan Capistrano and Color Diagnostics, LLC DBA Color Health); PubMed 23621914 (cited by Quest Diagnostics Nichols Institute San Juan Capistrano); PubMed 23391514 (cited by Quest Diagnostics Nichols Institute San Juan Capistrano); PubMed 24100870 (cited by Quest Diagnostics Nichols Institute San Juan Capistrano); PubMed 33471991 (cited by 3 submitters); PubMed 34613461 (cited by Quest Diagnostics Nichols Institute San Juan Capistrano).

NM_000179.3(MSH6):c.3452C>G (p.Ala1151Gly)

Gene: MSH6 (mutS homolog 6; plus strand). Cytogenetic location: 2p16.3.
Variant type: single nucleotide variant.
Coding change: c.3452C>G on transcript NM_000179.3 (MANE Select); coding-DNA position 3452, C replaced by G.
Protein change: p.Ala1151Gly; replaces alanine 1151 with glycine.
Molecular consequence: missense variant.
Genome position (GRCh38, 1-based): chr2:47,804,923, C>G. VCF-style: chr2-47804923-C-G. GRCh37 (hg19) VCF-style: chr2-48032062-C-G.
Other names: c.3062C>G, p.Ala1021Gly (NM_001281492.2); c.2546C>G, p.Ala849Gly (NM_001281493.2, NM_001281494.2); short protein forms A1151G, A1021G, A849G.
Identifiers: ClinVar variation 142663 (VCV000142663.31), dbSNP rs587782625, ClinGen allele CA012948.